The following is an entry in ClinVar:

ClinVar aggregate classification (germline): Uncertain significance (1 of 4 stars; one submission).

Conditions:
Long QT syndrome 1 (LQT1). Identifiers: Orphanet 101016, Orphanet 768, MedGen C4551647, MONDO:0100316, OMIM 192500, MONDO:0008646.

Submission:

Labcorp Genetics (formerly Invitae), Labcorp
Classification: Uncertain significance for Long QT syndrome 1. Last evaluated: 2025-05-27. Review status: criteria provided, single submitter. Criteria: Invitae Variant Classification Sherloc (09022015). Collection method: clinical testing. Allele origin: germline.
Comment: This sequence change replaces lysine, which is basic and polar, with arginine, which is basic and polar, at codon 116 of the CALM3 protein (p.Lys116Arg). This variant is not present in population databases (gnomAD no frequency). This variant has not been reported in the literature in individuals affected with CALM3-related conditions. An algorithm developed to predict the effect of missense changes on protein structure and function (PolyPhen-2) suggests that this variant is likely to be tolerated. In summary, the available evidence is currently insufficient to determine the role of this variant in disease. Therefore, it has been classified as a Variant of Uncertain Significance.

NM_005184.4(CALM3):c.347A>G (p.Lys116Arg)

Gene: CALM3 (calmodulin 3; plus strand). Cytogenetic location: 19q13.32.
Variant type: single nucleotide variant.
Coding change: c.347A>G on transcript NM_005184.4 (MANE Select); coding-DNA position 347, A replaced by G.
Protein change: p.Lys116Arg; replaces lysine 116 with arginine.
Molecular consequence: missense variant.
Genome position (GRCh38, 1-based): chr19:46,608,907, A>G. VCF-style: chr19-46608907-A-G. GRCh37 (hg19) VCF-style: chr19-47112164-A-G.
Other names: c.239A>G, p.Lys80Arg (NM_001329921.1, NM_001329923.1, NM_001329924.2 and 2 more transcripts); c.347A>G, p.Lys116Arg (NM_001329922.1); short protein forms K80R, K116R.
Identifiers: ClinVar variation 4720338 (VCV004720338.1).
Genomic context (GRCh38, chr19:46,608,907, plus strand): 5'-ATGGGAATGGCTACATCAGCGCCGCAGAGCTGCGTCACGTAATGACGAACCTGGGGGAGA[A>G]GCTGACCGATGAGGAGGTGGATGAGATGATCAGGGAGGCTGACATCGATGGAGATGGCCA-3'
Protein context (NP_005175.2, residues 106-126): LRHVMTNLGE[Lys116Arg]LTDEEVDEMI